The following is an entry in ClinVar:

ClinVar aggregate classification (germline): Conflicting classifications of pathogenicity. Review status: criteria provided, conflicting classifications (1 of 4 stars). 5 submissions from 5 submitters: Uncertain significance (1); Likely benign (4). Last evaluated 2025-11-26.

Conditions:
Epidermolysis bullosa simplex, Ogna type (EBS5A). Also called: Pidermolysis bullosa simplex 5A, Ogna type; EPIDERMOLYSIS BULLOSA SIMPLEX 5A, OGNA TYPE. Identifiers: Orphanet 79401, MedGen C0432317, MONDO:0007555, OMIM 131950.
Epidermolysis bullosa simplex with nail dystrophy (EBS5D). Identifiers: MedGen C4225309, MONDO:0014661, OMIM 616487.
Autosomal recessive limb-girdle muscular dystrophy type 2Q (LGMDR17). Also called: MUSCULAR DYSTROPHY, LIMB-GIRDLE, AUTOSOMAL RECESSIVE 17. Identifiers: Orphanet 254361, MedGen C3150989, MONDO:0013390, OMIM 613723.
Epidermolysis bullosa simplex 5B, with muscular dystrophy (EBS5B). Also called: EPIDERMOLYSIS BULLOSA SIMPLEX AND LIMB-GIRDLE MUSCULAR DYSTROPHY; Epidermolysis bullosa simplex with muscular dystrophy. Identifiers: Orphanet 257, MedGen C2931072, MONDO:0009181, OMIM 226670.
Epidermolysis bullosa simplex 5C, with pyloric atresia (EBS5C). Also called: Epidermolysis bullosa simplex with pyloric atresia; PLEC1-Related Epidermolysis Bullosa with Pyloric Atresia; PLEC-Related Epidermolysis Bullosa with Pyloric Atresia. Identifiers: Orphanet 158684, MedGen C2677349, MONDO:0012807, OMIM 612138.
PLEC-related disorder. Also called: PLEC-related condition; PLEC-related disorders.

Allele frequency attached by ClinVar (database versions not stated): gnomAD 0.00001 and 0.00002; gnomAD exomes 0.00001 and 0.00006; TOPMed 0.00002.
gnomAD v4.1: 85 of 1,579,540 alleles (0.0054%); highest among the groups gnomAD compares: Middle Eastern, 0.018%; no homozygotes.

Submissions (5):

Mayo Clinic Laboratories, Mayo Clinic
Classification: Likely benign. Last evaluated: 2025-11-26. Review status: criteria provided, single submitter. Criteria: ACMG Guidelines, 2015. Collection method: clinical testing. Allele origin: germline. Observed: 1 variant allele.
Comment: BP4, BP7

PreventionGenetics, part of Exact Sciences
Classification: Likely benign for PLEC-related condition. Last evaluated: 2025-04-01. Review status: criteria provided, single submitter. Criteria: ACMG Guidelines, 2015. Collection method: clinical testing. Allele origin: germline.
Comment: This variant is classified as likely benign based on ACMG/AMP sequence variant interpretation guidelines (Richards et al. 2015 PMID: 25741868, with internal and published modifications).

Blueprint Genetics
Classification: Likely benign. Last evaluated: 2024-10-18. Review status: criteria provided, single submitter. Criteria: ACMG Guidelines, 2015. Collection method: clinical testing. Allele origin: germline.

Labcorp Genetics (formerly Invitae), Labcorp
Classification: Likely benign for Autosomal recessive limb-girdle muscular dystrophy type 2Q; Epidermolysis bullosa simplex, Ogna type; Epidermolysis bullosa simplex with nail dystrophy; Epidermolysis bullosa simplex 5C, with pyloric atresia; Epidermolysis bullosa simplex 5B, with muscular dystrophy. Last evaluated: 2024-08-12. Review status: criteria provided, single submitter. Criteria: Invitae Variant Classification Sherloc (09022015). Collection method: clinical testing. Allele origin: germline.

Revvity Omics, Revvity
Classification: Uncertain significance. Last evaluated: 2022-09-22. Review status: criteria provided, single submitter. Criteria: ACMG Guidelines, 2015. Collection method: clinical testing. Allele origin: germline.

NM_201384.3(PLEC):c.2559C>T (p.Ser853=)

Gene: PLEC (plectin; minus strand). Cytogenetic location: 8q24.3.
Variant type: single nucleotide variant.
Coding change: c.2559C>T on transcript NM_201384.3 (MANE Select); coding-DNA position 2559, C replaced by T.
Protein change: p.Ser853=; no amino-acid change (serine 853 retained).
Molecular consequence: synonymous variant.
Genome position (GRCh38, 1-based): chr8:143,930,197, G>A on the plus strand (C>T on the coding strand, the complement: PLEC is on the minus strand). VCF-style: chr8-143930197-G-A. GRCh37 (hg19) VCF-style: chr8-145004365-G-A.
Other names: p.Ser880=; c.2640C>T, p.Ser880= (NM_000445.5); c.2517C>T, p.Ser839= (NM_201378.4); c.2493C>T, p.Ser831= (NM_201379.3); c.2970C>T, p.Ser990= (NM_201380.4); c.2463C>T, p.Ser821= (NM_201381.3); c.2559C>T, p.Ser853= (NM_201382.4); c.2571C>T, p.Ser857= (NM_201383.3); and 1 more.
Identifiers: ClinVar variation 1550376 (VCV001550376.13), dbSNP rs976620376, ClinGen allele CA187619339.